The following is an entry in ClinVar:

ClinVar aggregate classification (germline): Pathogenic (1 of 4 stars; one submission).

Conditions:
Postaxial polydactyly-anterior pituitary anomalies-facial dysmorphism syndrome. Also called: Culler-Jones syndrome. Identifiers: Orphanet 420584, MedGen C4014479, MONDO:0014369, OMIM 615849.
Holoprosencephaly 9 (HPE9). Also called: HOLOPROSENCEPHALY WITH MICROPHTHALMIA AND FIRST BRANCHIAL ARCH ANOMALIES; PITUITARY ANOMALIES WITH HOLOPROSENCEPHALY-LIKE FEATURES. Identifiers: Orphanet 2162, MedGen C1835819, MONDO:0012563, OMIM 610829.

Submission:

Labcorp Genetics (formerly Invitae), Labcorp
Classification: Pathogenic for Postaxial polydactyly-anterior pituitary anomalies-facial dysmorphism syndrome; Holoprosencephaly 9. Last evaluated: 2022-07-21. Review status: criteria provided, single submitter. Criteria: Invitae Variant Classification Sherloc (09022015). Collection method: clinical testing. Allele origin: germline.
Comment: This sequence change creates a premature translational stop signal (p.Tyr1454*) in the GLI2 gene. While this is not anticipated to result in nonsense mediated decay, it is expected to disrupt the last 133 amino acid(s) of the GLI2 protein. For these reasons, this variant has been classified as Pathogenic. This variant disrupts a region of the GLI2 protein in which other variant(s) (p.Pro1554Leu) have been observed in individuals with GLI2-related conditions (PMID: 17096318). This suggests that this is a clinically significant region of the protein, and that variants that disrupt it are likely to be disease-causing. Experimental studies and prediction algorithms are not available or were not evaluated, and the functional significance of this variant is currently unknown. This premature translational stop signal has been observed in individual(s) with clinical features of Culler-Jones syndrome (Invitae). In at least one individual the variant was observed to be de novo. This variant is not present in population databases (gnomAD no frequency).

Literature cited by the submitters: PubMed 17096318.

NM_001374353.1(GLI2):c.4311C>G (p.Tyr1437Ter)

Gene: GLI2 (GLI family zinc finger 2; plus strand). Cytogenetic location: 2q14.2.
Variant type: single nucleotide variant.
Coding change: c.4311C>G on transcript NM_001374353.1 (MANE Select); coding-DNA position 4311, C replaced by G.
Protein change: p.Tyr1437Ter; replaces tyrosine 1437 with a stop codon.
Molecular consequence: nonsense.
Genome position (GRCh38, 1-based): chr2:120,990,276, C>G. VCF-style: chr2-120990276-C-G. GRCh37 (hg19) VCF-style: chr2-121747852-C-G.
Other names: c.4362C>G, p.Tyr1454Ter (NM_001371271.1, NM_005270.5); c.3936C>G, p.Tyr1312Ter (NM_001374354.1); short protein forms Y1312*, Y1437*, Y1454*.
Identifiers: ClinVar variation 2006699 (VCV002006699.4), dbSNP rs1683230082, ClinGen allele CA348179490.